The following is an entry in ClinVar:

NM_000059.4(BRCA2):c.8559A>C (p.Lys2853Asn)

Gene: BRCA2 (BRCA2 DNA repair associated; plus strand). Cytogenetic location: 13q13.1.
Variant type: single nucleotide variant.
Coding change: c.8559A>C on transcript NM_000059.4 (MANE Select); coding-DNA position 8559, A replaced by C.
Protein change: p.Lys2853Asn; replaces lysine 2853 with asparagine.
Molecular consequence: missense variant. On other transcripts: non-coding transcript variant (1).
Genome position (GRCh38, 1-based): chr13:32,371,027, A>C. VCF-style: chr13-32371027-A-C. GRCh37 (hg19) VCF-style: chr13-32945164-A-C.
Other names: c.8463A>C, p.Lys2821Asn (NM_001406719.1); c.8559A>C, p.Lys2853Asn (NM_001406720.1); c.3627A>C, p.Lys1209Asn (NM_001406721.1); c.2142A>C, p.Lys714Asn (NM_001406722.1); short protein forms K1209N, K2821N, K2853N, K714N.
Identifiers: ClinVar variation 2681842 (VCV002681842.1), dbSNP rs1057520669, ClinGen allele CA387752794.

ClinVar aggregate classification (germline): Uncertain significance (1 of 4 stars; one submission).

Submission:

Quest Diagnostics Nichols Institute San Juan Capistrano
Classification: Uncertain significance. Last evaluated: 2023-07-31. Review status: criteria provided, single submitter. Criteria: Quest Diagnostics criteria. Collection method: clinical testing. Allele origin: unknown.
Comment: To the best of our knowledge, this variant has not been reported in the published literature. It also has not been reported in large, multi-ethnic general populations (Genome Aggregation Database). Analysis of this variant using bioinformatics tools for the prediction of the effect of amino acid changes on protein structure and function yielded conflicting predictions that this variant is benign or damaging. Based on the available information, we are unable to determine the clinical significance of this variant.